The following is an entry in ClinVar:

ClinVar aggregate classification (germline): Likely pathogenic (0 of 4 stars; one submission).

Conditions:
Autosomal recessive congenital ichthyosis 10 (ARCI10). Identifiers: Orphanet 79394, MedGen C3554355, MONDO:0014011, OMIM 615024.

Allele frequency attached by ClinVar (database versions not stated): TOPMed below 0.00001.

Submission:

Unité de Différenciation Epithéliale et Auto-Immunité Rhumatoïde, INSERM - Université Paul Sabatier
Classification: Likely pathogenic for Autosomal recessive congenital ichthyosis 10. Review status: no assertion criteria provided. Collection method: research, provider interpretation. Allele origin: germline. Inheritance: Autosomal recessive inheritance. Affected: yes and no. Observed: 4 variant alleles, 2 heterozygotes, 2 compound heterozygotes.
Comment: This variant has been seen as a compound heterozygote with this variant : c.[418T>C], [p.Ser140Pro]

Literature cited by the submitters: PubMed 28369476.

NM_001374623.1(PNPLA1):c.266C>T (p.Pro89Leu)

Gene: PNPLA1 (patatin like domain 1, omega-hydroxyceramide transacylase; plus strand). Cytogenetic location: 6p21.31.
Variant type: single nucleotide variant.
Coding change: c.266C>T on transcript NM_001374623.1 (MANE Select); coding-DNA position 266, C replaced by T.
Protein change: p.Pro89Leu; replaces proline 89 with leucine.
Molecular consequence: missense variant. On other transcripts: 5 prime UTR variant (2).
Genome position (GRCh38, 1-based): chr6:36,291,380, C>T. VCF-style: chr6-36291380-C-T. GRCh37 (hg19) VCF-style: chr6-36259157-C-T.
Other names: c.266C>T, p.Pro89Leu (NM_001145717.1); c.-20C>T (NM_001145716.2, NM_173676.2); short protein forms P89L.
Identifiers: ClinVar variation 375259 (VCV000375259.2), dbSNP rs922934422, ClinGen allele CA137378288.